The following is an entry in ClinVar:

NM_003128.3(SPTBN1):c.4801G>A (p.Ala1601Thr)

Gene: SPTBN1 (spectrin beta, non-erythrocytic 1; plus strand). Cytogenetic location: 2p16.2.
Variant type: single nucleotide variant.
Coding change: c.4801G>A on transcript NM_003128.3 (MANE Select); coding-DNA position 4801, G replaced by A.
Protein change: p.Ala1601Thr; replaces alanine 1601 with threonine.
Molecular consequence: missense variant.
Genome position (GRCh38, 1-based): chr2:54,646,410, G>A. VCF-style: chr2-54646410-G-A. GRCh37 (hg19) VCF-style: chr2-54873547-G-A.
Other names: c.4762G>A, p.Ala1588Thr (NM_178313.3); short protein forms A1588T, A1601T.
Identifiers: ClinVar variation 5020567 (VCV005020567.1).

ClinVar aggregate classification (germline): Uncertain significance (1 of 4 stars; one submission).

gnomAD v4.1: 3 of 1,600,382 alleles (0.00019%); highest among the groups gnomAD compares: South Asian, 0.0022%; no homozygotes.

Submission:

Dasa
Classification: Uncertain significance. Last evaluated: 2026-08-05. Review status: criteria provided, single submitter. Criteria: DASA Assertion Criteria. Collection method: clinical testing. Allele origin: germline.
Comment: NM_003128.3(SPTBN1):c.4801G>A (p.Ala1601Thr) is a missense variant that results in the substitution of alanine with threonine. This variant is rare in population databases. The currently available literature and clinical evidence are not sufficient to establish a definitive association between this variant and the reported condition. Therefore, this variant is classified as a variant of uncertain significance.